The following is an entry in ClinVar:

NM_006947.4(SRP72):c.37G>T (p.Ala13Ser)

Gene: SRP72 (signal recognition particle 72; plus strand). Cytogenetic location: 4q12.
Variant type: single nucleotide variant.
Coding change: c.37G>T on transcript NM_006947.4 (MANE Select); coding-DNA position 37, G replaced by T.
Protein change: p.Ala13Ser; replaces alanine 13 with serine.
Molecular consequence: missense variant. On other transcripts: non-coding transcript variant (1).
Genome position (GRCh38, 1-based): chr4:56,467,672, G>T. VCF-style: chr4-56467672-G-T. GRCh37 (hg19) VCF-style: chr4-57333838-G-T.
Other names: c.37G>T, p.Ala13Ser (NM_001267722.2); short protein forms A13S.
Identifiers: ClinVar variation 349116 (VCV000349116.16), dbSNP rs781230154, ClinGen allele CA2930940.

ClinVar aggregate classification (germline): Conflicting classifications of pathogenicity. Review status: criteria provided, conflicting classifications (1 of 4 stars). 4 submissions from 4 submitters: Uncertain significance (2); Benign (1); Likely benign (1). Last evaluated 2025-11-23.

Conditions:
Autosomal dominant aplasia and myelodysplasia. Also called: Bone marrow failure syndrome 1. Identifiers: Orphanet 314399, MedGen C3808553, MONDO:0013851, OMIM 614675.

gnomAD v4.1: 65 of 1,566,490 alleles (0.0041%); highest among the groups gnomAD compares: South Asian, 0.072%; 1 homozygote.

Submissions (4):

Ambry Genetics
Classification: Uncertain significance. Last evaluated: 2025-11-23. Review status: criteria provided, single submitter. Criteria: Ambry Variant Classification Scheme 2023. Collection method: clinical testing. Allele origin: germline.

Labcorp Genetics (formerly Invitae), Labcorp
Classification: Uncertain significance. Last evaluated: 2025-02-10. Review status: criteria provided, single submitter. Criteria: Invitae Variant Classification Sherloc (09022015). Collection method: clinical testing. Allele origin: germline.
Comment: This sequence change replaces alanine, which is neutral and non-polar, with serine, which is neutral and polar, at codon 13 of the SRP72 protein (p.Ala13Ser). This variant is present in population databases (rs781230154, gnomAD 0.07%), and has an allele count higher than expected for a pathogenic variant. This variant has not been reported in the literature in individuals affected with SRP72-related conditions. ClinVar contains an entry for this variant (Variation ID: 349116). Invitae Evidence Modeling of protein sequence and biophysical properties (such as structural, functional, and spatial information, amino acid conservation, physicochemical variation, residue mobility, and thermodynamic stability) indicates that this missense variant is not expected to disrupt SRP72 protein function with a negative predictive value of 80%. In summary, the available evidence is currently insufficient to determine the role of this variant in disease. Therefore, it has been classified as a Variant of Uncertain Significance.

Blueprint Genetics
Classification: Likely benign. Last evaluated: 2022-11-14. Review status: criteria provided, single submitter. Criteria: ACMG Guidelines, 2015. Collection method: clinical testing. Allele origin: germline.

Illumina Laboratory Services, Illumina
Classification: Benign for Autosomal dominant aplasia and myelodysplasia. Last evaluated: 2018-01-12. Review status: criteria provided, single submitter. Criteria: ICSL Variant Classification Criteria 13 December 2019. Collection method: clinical testing. Allele origin: germline.
Comment: This variant was observed in the ICSL laboratory as part of a predisposition screen in an ostensibly healthy population. It had not been previously curated by ICSL or reported in the Human Gene Mutation Database (HGMD: prior to June 1st, 2018), and was therefore a candidate for classification through an automated scoring system. Utilizing variant allele frequency, disease prevalence and penetrance estimates, and inheritance mode, an automated score was calculated to assess if this variant is too frequent to cause the disease. Based on the score and internal cut-off values, a variant classified as benign is not then subjected to further curation. The score for this variant resulted in a classification of benign for this disease.